The following is an entry in ClinVar:

ClinVar aggregate classification (germline): Benign/Likely benign. Review status: criteria provided, multiple submitters, no conflicts (2 of 4 stars). 5 submissions from 5 submitters: Benign (3); Likely benign (2). Last evaluated 2026-01-19.

Conditions:
Inborn genetic diseases. Identifiers: MedGen C0950123, MeSH D030342.
Intellectual developmental disorder, autosomal recessive 5. Also called: Intellectual disability, autosomal recessive 5. Identifiers: Orphanet 88616, MedGen C1970199, MONDO:0012613, OMIM 611091.

Allele frequency attached by ClinVar (database versions not stated): 1000 Genomes Project 0.00739; ESP Exome Variant Server 0.00884; gnomAD 0.00698 and 0.00752; 1000 Genomes Project 30x 0.00750; TOPMed 0.00812.
gnomAD v4.1: 2,202 of 1,613,982 alleles (0.14%); highest among the groups gnomAD compares: African/African-American, 2.6%; 30 homozygotes.

Submissions (5):

Labcorp Genetics (formerly Invitae), Labcorp
Classification: Benign. Last evaluated: 2026-01-19. Review status: criteria provided, single submitter. Criteria: Invitae Variant Classification Sherloc (09022015). Collection method: clinical testing. Allele origin: germline.

GeneDx
Classification: Benign. Last evaluated: 2021-06-03. Review status: criteria provided, single submitter. Criteria: GeneDx Variant Classification Process June 2021. Collection method: clinical testing. Allele origin: germline. Affected: yes.

Illumina Laboratory Services, Illumina
Classification: Benign for Intellectual developmental disorder, autosomal recessive 5. Last evaluated: 2018-01-13. Review status: criteria provided, single submitter. Criteria: ICSL Variant Classification Criteria 13 December 2019. Collection method: clinical testing. Allele origin: germline.
Comment: This variant was observed in the ICSL laboratory as part of a predisposition screen in an ostensibly healthy population. It had not been previously curated by ICSL or reported in the Human Gene Mutation Database (HGMD: prior to June 1st, 2018), and was therefore a candidate for classification through an automated scoring system. Utilizing variant allele frequency, disease prevalence and penetrance estimates, and inheritance mode, an automated score was calculated to assess if this variant is too frequent to cause the disease. Based on the score and internal cut-off values, a variant classified as benign is not then subjected to further curation. The score for this variant resulted in a classification of benign for this disease.

Ambry Genetics
Classification: Likely benign for Inborn genetic diseases. Last evaluated: 2016-07-18. Review status: criteria provided, single submitter. Criteria: Ambry Variant Classification Scheme 2023. Collection method: clinical testing. Allele origin: germline.

Breakthrough Genomics
Classification: Likely benign. Review status: criteria provided, single submitter. Criteria: ACMG Guidelines, 2015. Collection method: not provided. Allele origin: germline. Inheritance: Autosomal recessive inheritance. Affected: yes.

NM_017755.6(NSUN2):c.123C>T (p.Ile41=)

Gene: NSUN2 (NOP2/Sun RNA methyltransferase 2; minus strand). Cytogenetic location: 5p15.31.
Variant type: single nucleotide variant.
Coding change: c.123C>T on transcript NM_017755.6 (MANE Select); coding-DNA position 123, C replaced by T.
Protein change: p.Ile41=; no amino-acid change (isoleucine 41 retained).
Molecular consequence: synonymous variant. On other transcripts: non-coding transcript variant (1).
Genome position (GRCh38, 1-based): chr5:6,632,730, G>A on the plus strand (C>T on the coding strand, the complement: NSUN2 is on the minus strand). VCF-style: chr5-6632730-G-A. GRCh37 (hg19) VCF-style: chr5-6632843-G-A.
Other names: c.123C>T, p.Ile41= (NM_001193455.2).
Identifiers: ClinVar variation 588071 (VCV000588071.21), dbSNP rs112327056, ClinGen allele CA3192923.